The following is an entry in ClinVar:

ClinVar aggregate classification (germline): Uncertain significance. Review status: criteria provided, multiple submitters, no conflicts (2 of 4 stars). 2 submissions from 2 submitters: Uncertain significance (2). Last evaluated 2024-12-04.

Conditions:
Inborn genetic diseases. Identifiers: MedGen C0950123, MeSH D030342.

Allele frequency attached by ClinVar (database versions not stated): gnomAD 0.00012; ESP Exome Variant Server 0.00015; gnomAD exomes 0.00003; TOPMed 0.00015; ExAC 0.00003.
gnomAD v4.1: 64 of 1,607,912 alleles (0.004%); highest among the groups gnomAD compares: African/African-American, 0.04%; no homozygotes.

Submissions (2):

Ambry Genetics
Classification: Uncertain significance for Inborn genetic diseases. Last evaluated: 2024-12-04. Review status: criteria provided, single submitter. Criteria: Ambry Variant Classification Scheme 2023. Collection method: clinical testing. Allele origin: germline.

Labcorp Genetics (formerly Invitae), Labcorp
Classification: Uncertain significance. Last evaluated: 2022-10-13. Review status: criteria provided, single submitter. Criteria: Invitae Variant Classification Sherloc (09022015). Collection method: clinical testing. Allele origin: germline.
Comment: In summary, the available evidence is currently insufficient to determine the role of this variant in disease. Therefore, it has been classified as a Variant of Uncertain Significance. Advanced modeling of protein sequence and biophysical properties (such as structural, functional, and spatial information, amino acid conservation, physicochemical variation, residue mobility, and thermodynamic stability) performed at Invitae indicates that this missense variant is not expected to disrupt XYLT2 protein function. This variant has not been reported in the literature in individuals affected with XYLT2-related conditions. This variant is present in population databases (rs148860176, gnomAD 0.03%). This sequence change replaces glycine, which is neutral and non-polar, with serine, which is neutral and polar, at codon 215 of the XYLT2 protein (p.Gly215Ser).

NM_022167.4(XYLT2):c.643G>A (p.Gly215Ser)

Gene: XYLT2 (xylosyltransferase 2; plus strand). Cytogenetic location: 17q21.33.
Variant type: single nucleotide variant.
Coding change: c.643G>A on transcript NM_022167.4 (MANE Select); coding-DNA position 643, G replaced by A.
Protein change: p.Gly215Ser; replaces glycine 215 with serine.
Molecular consequence: missense variant.
Genome position (GRCh38, 1-based): chr17:50,354,422, G>A. VCF-style: chr17-50354422-G-A. GRCh37 (hg19) VCF-style: chr17-48431783-G-A.
Other names: short protein forms G215S.
Identifiers: ClinVar variation 2076803 (VCV002076803.5), dbSNP rs148860176, ClinGen allele CA8646231.